The following is an entry in ClinVar:

NM_015047.3(EMC1):c.1601A>G (p.Lys534Arg)

Genes: EMC1 (ER membrane protein complex subunit 1; minus strand), EMC1-AS1 (EMC1 antisense RNA 1; plus strand). Cytogenetic location: 1p36.13.
Variant type: single nucleotide variant.
Coding change: c.1601A>G on transcript NM_015047.3 (MANE Select); coding-DNA position 1601, A replaced by G.
Protein change: p.Lys534Arg; replaces lysine 534 with arginine.
Molecular consequence: missense variant.
Genome position (GRCh38, 1-based): chr1:19,232,967, T>C on the plus strand (A>G on the coding strand, the complement: EMC1 is on the minus strand). VCF-style: chr1-19232967-T-C. GRCh37 (hg19) VCF-style: chr1-19559461-T-C.
Other names: c.1598A>G, p.Lys533Arg (NM_001271427.2, NM_001271428.2); c.1535A>G, p.Lys512Arg (NM_001271429.2); c.1610A>G, p.Lys537Arg (NM_001375820.1); c.1607A>G, p.Lys536Arg (NM_001375821.1); short protein forms K533R, K536R, K512R, K537R, K534R.
Identifiers: ClinVar variation 2196464 (VCV002196464.4), dbSNP rs960142415, ClinGen allele CA18816064.

ClinVar aggregate classification (germline): Uncertain significance (1 of 4 stars; one submission).

Allele frequency attached by ClinVar (database versions not stated): gnomAD exomes below 0.00001; gnomAD 0.00001; TOPMed 0.00002.
gnomAD v4.1: 3 of 1,614,108 alleles (0.00019%); highest among the groups gnomAD compares: African/African-American, 0.0027%; no homozygotes.

Submission:

Labcorp Genetics (formerly Invitae), Labcorp
Classification: Uncertain significance. Last evaluated: 2023-06-27. Review status: criteria provided, single submitter. Criteria: Invitae Variant Classification Sherloc (09022015). Collection method: clinical testing. Allele origin: germline.
Comment: In summary, the available evidence is currently insufficient to determine the role of this variant in disease. Therefore, it has been classified as a Variant of Uncertain Significance. Advanced modeling of protein sequence and biophysical properties (such as structural, functional, and spatial information, amino acid conservation, physicochemical variation, residue mobility, and thermodynamic stability) performed at Invitae indicates that this missense variant is not expected to disrupt EMC1 protein function. ClinVar contains an entry for this variant (Variation ID: 2196464). This variant has not been reported in the literature in individuals affected with EMC1-related conditions. This variant is present in population databases (no rsID available, gnomAD 0.01%). This sequence change replaces lysine, which is basic and polar, with arginine, which is basic and polar, at codon 534 of the EMC1 protein (p.Lys534Arg).